The following is an entry in ClinVar:

ClinVar aggregate classification (germline): Uncertain significance (1 of 4 stars; one submission).

Conditions:
Cardiovascular phenotype. Identifiers: MedGen CN230736.

Submission:

Ambry Genetics
Classification: Uncertain significance for Cardiovascular phenotype. Last evaluated: 2022-12-25. Review status: criteria provided, single submitter. Criteria: Ambry Variant Classification Scheme 2023. Collection method: clinical testing. Allele origin: germline.
Comment: The p.D129V variant (also known as c.386A>T), located in coding exon 3 of the TRDN gene, results from an A to T substitution at nucleotide position 386. The aspartic acid at codon 129 is replaced by valine, an amino acid with highly dissimilar properties. This amino acid position is conserved. In addition, this alteration is predicted to be tolerated by in silico analysis. Since supporting evidence is limited at this time, the clinical significance of this alteration remains unclear.

NM_006073.4(TRDN):c.386A>T (p.Asp129Val)

Gene: TRDN (triadin; minus strand). Cytogenetic location: 6q22.31.
Variant type: single nucleotide variant.
Coding change: c.386A>T on transcript NM_006073.4 (MANE Select); coding-DNA position 386, A replaced by T.
Protein change: p.Asp129Val; replaces aspartic acid 129 with valine.
Molecular consequence: missense variant.
Genome position (GRCh38, 1-based): chr6:123,548,459, T>A on the plus strand (A>T on the coding strand, the complement: TRDN is on the minus strand). VCF-style: chr6-123548459-T-A. GRCh37 (hg19) VCF-style: chr6-123869604-T-A.
Other names: c.386A>T, p.Asp129Val (NM_001251987.2, NM_001256020.2, NM_001256021.2 and 2 more transcripts); short protein forms D129V.
Identifiers: ClinVar variation 2447977 (VCV002447977.2), dbSNP rs2534484486, ClinGen allele CA365568648.